The following is an entry in ClinVar:

NM_001378615.1(CC2D2A):c.1359+10A>T

Genes: FBXL5 (F-box and leucine rich repeat protein 5; minus strand), CC2D2A (coiled-coil and C2 domain containing 2A; plus strand). Cytogenetic location: 4p15.32.
Variant type: single nucleotide variant.
Coding change: c.1359+10A>T on transcript NM_001378615.1 (MANE Select); 10 bases into the intron after coding-DNA position 1359, A replaced by T.
Molecular consequence: intron variant.
Genome position (GRCh38, 1-based): chr4:15,527,666, A>T. VCF-style: chr4-15527666-A-T. GRCh37 (hg19) VCF-style: chr4-15529289-A-T.
Other names: c.1359+10A>T (NM_001080522.2); c.1212+10A>T (NM_001378617.1).
Identifiers: ClinVar variation 3060096 (VCV003060096.2), dbSNP rs373012628, ClinGen allele CA549889872.

ClinVar aggregate classification (germline): Likely benign (0 of 4 stars; one submission).

Conditions:
CC2D2A-related disorder. Also called: CC2D2A-related disorders; CC2D2A-related condition. Identifiers: MedGen CN239313.

gnomAD v4.1: 4 of 1,579,910 alleles (0.00025%); highest among the groups gnomAD compares: South Asian, 0.0046%; no homozygotes.

Submission:

PreventionGenetics, part of Exact Sciences
Classification: Likely benign for CC2D2A-related condition. Last evaluated: 2021-09-15. Review status: no assertion criteria provided. Collection method: clinical testing. Allele origin: germline.
Comment: This variant is classified as likely benign based on ACMG/AMP sequence variant interpretation guidelines (Richards et al. 2015 PMID: 25741868, with internal and published modifications).